The following is an entry in ClinVar:

ClinVar aggregate classification (germline): Conflicting classifications of pathogenicity. Review status: criteria provided, conflicting classifications (1 of 4 stars). 2 submissions from 2 submitters: Uncertain significance (1); Likely benign (1). Last evaluated 2024-01-19.

Conditions:
Hereditary cancer-predisposing syndrome. Also called: Hereditary Cancer Syndrome; Hereditary neoplastic syndrome; Neoplastic Syndromes, Hereditary; Tumor predisposition. Identifiers: Orphanet 140162, MedGen C0027672, MeSH D009386, MONDO:0015356.

Submissions (2):

Ambry Genetics
Classification: Uncertain significance for Hereditary cancer-predisposing syndrome. Last evaluated: 2024-01-19. Review status: criteria provided, single submitter. Criteria: Ambry Variant Classification Scheme 2023. Collection method: clinical testing. Allele origin: germline.
Comment: The p.C882R variant (also known as c.2644T>C), located in coding exon 9 of the BRCA1 gene, results from a T to C substitution at nucleotide position 2644. The cysteine at codon 882 is replaced by arginine, an amino acid with highly dissimilar properties. This variant was identified in a cohort of 3,579 African males diagnosed with prostate cancer who underwent multi-gene panel testing of 19 DNA repair and cancer predisposition genes (Matejcic M et al. JCO Precis Oncol, 2020 Jan;4:32-43). This amino acid position is well conserved in available vertebrate species. In addition, the in silico prediction for this alteration is inconclusive. Based on the available evidence, the clinical significance of this alteration remains unclear.

University of Washington Department of Laboratory Medicine, University of Washington
Classification: Likely benign for Hereditary cancer-predisposing syndrome. Last evaluated: 2023-03-23. Review status: criteria provided, single submitter. Criteria: Dines et al. (Genet Med. 2020). Collection method: curation. Allele origin: germline.
Comment: Missense variant in a coldspot region where missense variants are very unlikely to be pathogenic (PMID:31911673).

BRCA1 coldspot (exon 11 using historical exon numbering). Reclassification based on statistical prior probability

Literature cited by the submitters: PubMed 32832836 (cited by Ambry Genetics).

NM_007294.4(BRCA1):c.2644T>C (p.Cys882Arg)

Gene: BRCA1 (BRCA1 DNA repair associated; minus strand). Cytogenetic location: 17q21.31.
Variant type: single nucleotide variant.
Coding change: c.2644T>C on transcript NM_007294.4 (MANE Select); coding-DNA position 2644, T replaced by C.
Protein change: p.Cys882Arg; replaces cysteine 882 with arginine.
Molecular consequence: missense variant. On other transcripts: intron variant (137).
Genome position (GRCh38, 1-based): chr17:43,092,887, A>G on the plus strand (T>C on the coding strand, the complement: BRCA1 is on the minus strand). VCF-style: chr17-43092887-A-G. GRCh37 (hg19) VCF-style: chr17-41244904-A-G.
Other names: c.545-1855T>C (NM_001408495.1); c.662-1855T>C (NM_001408448.1, NM_001408446.1, NM_001408435.1 and 6 more transcripts); c.2563T>C, p.Cys855Arg (NM_001407661.1, NM_001407662.1, NM_001407659.1 and 1 more transcripts); c.2521T>C, p.Cys841Arg (NM_001407666.1, NM_001407667.1, NM_001407664.1 and 19 more transcripts); c.2566T>C, p.Cys856Arg (NM_001407663.1, NM_001407653.1, NM_001407654.1 and 4 more transcripts); c.668-1855T>C (NM_001408421.1, NM_001408431.1, NM_001408424.1); c.785-1855T>C (NM_001407991.1, NM_001408397.1, NM_001408401.1 and 13 more transcripts); c.665-1855T>C (NM_001408427.1, NM_001408436.1, NM_001408444.1 and 12 more transcripts); and 41 more; short protein forms C882R, C835R, C586R, C714R, C811R, C840R, C841R, C881R.
Identifiers: ClinVar variation 441301 (VCV000441301.8), dbSNP rs184374817, ClinGen allele CA10596706.